The following is an entry in ClinVar:

ClinVar aggregate classification (germline): Uncertain significance. Review status: criteria provided, multiple submitters, no conflicts (2 of 4 stars). 2 submissions from 2 submitters: Uncertain significance (2). Last evaluated 2026-08-24.

Conditions:
LEPR-related disorder. Also called: LEPR-related disorders; LEPR-related condition.
Inborn genetic diseases. Identifiers: MedGen C0950123, MeSH D030342.

gnomAD v4.1: 10 of 1,609,536 alleles (0.00062%); highest among the groups gnomAD compares: Admixed American, 0.013%; no homozygotes.

Submissions (2):

PreventionGenetics, part of Exact Sciences
Classification: Uncertain significance for LEPR-related condition. Last evaluated: 2026-08-24. Review status: criteria provided, single submitter. Criteria: ACMG Guidelines, 2015. Collection method: clinical testing. Allele origin: germline.
Comment: The LEPR c.2366C>A variant is predicted to result in the amino acid substitution p.Ser789Tyr. This variant was observed in a cohort of individuals with obesity, and in vitro functional studies showed function similar to wild-type levels (Supplemental Data Set, Shah et al. 2023. PubMed ID: 36864747). This variant is reported in 0.012% of alleles in individuals of Latino descent in gnomAD. At this time, the clinical significance of this variant is uncertain due to the absence of conclusive functional and genetic evidence.

Ambry Genetics
Classification: Uncertain significance for Inborn genetic diseases. Last evaluated: 2025-06-17. Review status: criteria provided, single submitter. Criteria: Ambry Variant Classification Scheme 2023. Collection method: clinical testing. Allele origin: germline.

NM_002303.6(LEPR):c.2366C>A (p.Ser789Tyr)

Gene: LEPR (leptin receptor; plus strand). Cytogenetic location: 1p31.3.
Variant type: single nucleotide variant.
Coding change: c.2366C>A on transcript NM_002303.6 (MANE Select); coding-DNA position 2366, C replaced by A.
Protein change: p.Ser789Tyr; replaces serine 789 with tyrosine.
Molecular consequence: missense variant.
Genome position (GRCh38, 1-based): chr1:65,618,117, C>A. VCF-style: chr1-65618117-C-A. GRCh37 (hg19) VCF-style: chr1-66083800-C-A.
Other names: c.2366C>A, p.Ser789Tyr (NM_001003679.3, NM_001003680.3, NM_001198687.2 and 2 more transcripts); short protein forms S789Y.
Identifiers: ClinVar variation 4097323 (VCV004097323.2).